The following is an entry in ClinVar:

NC_000017.10:g.(?_71189189)_(71189543_?)dup

Gene: COG1 (component of oligomeric golgi complex 1; plus strand). Cytogenetic location: 17q25.1.
Variant type: Duplication.
Identifiers: ClinVar variation 1036560 (VCV001036560.2).

ClinVar aggregate classification (germline): Uncertain significance (1 of 4 stars; one submission).

Conditions:
COG1 congenital disorder of glycosylation (CDG2G). Also called: CONGENITAL DISORDER OF GLYCOSYLATION, TYPE IIg; CDG IIg; CDGII/COG1 CEREBROCOSTOMANDIBULAR-LIKE SYNDROME. Identifiers: Orphanet 263508, MedGen C2931011, MONDO:0012637, OMIM 611209.

Submission:

Labcorp Genetics (formerly Invitae), Labcorp
Classification: Uncertain significance for COG1 congenital disorder of glycosylation. Last evaluated: 2020-10-03. Review status: criteria provided, single submitter. Criteria: Invitae Variant Classification Sherloc (09022015). Collection method: clinical testing. Allele origin: germline.
Comment: This variant results in a copy number gain of the genomic region encompassing exon(s) 1 of the COG1 gene, which includes the initiator codon. The 5' end of this event is unknown as it extends beyond the assayed region for this gene and therefore may encompass additional genes. The 3' boundary is likely confined to intron 1 of the COG1 gene. As the precise location of this event is unknown, it may be in tandem or it may be located elsewhere in the genome. This variant has not been reported in the literature in individuals with COG1-related conditions. Experimental studies and prediction algorithms are not available or were not evaluated, and the functional significance of this variant is currently unknown. In summary, the available evidence is currently insufficient to determine the role of this variant in disease. Therefore, it has been classified as a Variant of Uncertain Significance.